The following is an entry in ClinVar:

NM_001001563.5(TIMM50):c.24C>A (p.Phe8Leu)

Gene: TIMM50 (translocase of inner mitochondrial membrane 50; plus strand). Cytogenetic location: 19q13.2.
Variant type: single nucleotide variant.
Coding change: c.24C>A on transcript NM_001001563.5 (MANE Select); coding-DNA position 24, C replaced by A.
Protein change: p.Phe8Leu; replaces phenylalanine 8 with leucine.
Molecular consequence: missense variant. On other transcripts: 5 prime UTR variant (1).
Genome position (GRCh38, 1-based): chr19:39,480,877, C>A. VCF-style: chr19-39480877-C-A. GRCh37 (hg19) VCF-style: chr19-39971517-C-A.
Other names: c.-257C>A (NM_001329559.2); short protein forms F8L.
Identifiers: ClinVar variation 3722484 (VCV003722484.2).

ClinVar aggregate classification (germline): Uncertain significance (1 of 4 stars; one submission).

Submission:

Labcorp Genetics (formerly Invitae), Labcorp
Classification: Uncertain significance. Last evaluated: 2024-10-08. Review status: criteria provided, single submitter. Criteria: Invitae Variant Classification Sherloc (09022015). Collection method: clinical testing. Allele origin: germline.
Comment: This sequence change replaces phenylalanine, which is neutral and non-polar, with leucine, which is neutral and non-polar, at codon 111 of the TIMM50 protein (p.Phe111Leu). This variant is not present in population databases (gnomAD no frequency). This variant has not been reported in the literature in individuals affected with TIMM50-related conditions. An algorithm developed to predict the effect of missense changes on protein structure and function outputs the following: PolyPhen-2: "Benign". The leucine amino acid residue is found in multiple mammalian species, which suggests that this missense change does not adversely affect protein function. In summary, the available evidence is currently insufficient to determine the role of this variant in disease. Therefore, it has been classified as a Variant of Uncertain Significance.